The following is an entry in ClinVar:

ClinVar aggregate classification (germline): Uncertain significance. Review status: criteria provided, multiple submitters, no conflicts (2 of 4 stars). 2 submissions from 2 submitters: Uncertain significance (2). Last evaluated 2024-11-20.

Conditions:
Chromosome 2q32-q33 deletion syndrome (GLASS). Also called: 2q33.1 deletion syndrome; Glass syndrome. Identifiers: Orphanet 251019, MedGen C2676739, MONDO:0012864, OMIM 612313.

Submissions (2):

Women's Health and Genetics/Laboratory Corporation of America, LabCorp
Classification: Uncertain significance. Last evaluated: 2024-11-20. Review status: criteria provided, single submitter. Criteria: LabCorp Variant Classification Summary - May 2015. Collection method: clinical testing. Allele origin: germline.
Comment: Variant summary: SATB2 c.751C>T (p.Arg251Cys) results in a non-conservative amino acid change in the encoded protein sequence. Three of five in-silico tools predict a damaging effect of the variant on protein function. The variant allele was found at a frequency of 1.2e-05 in 251212 control chromosomes. The available data on variant occurrences in the general population are insufficient to allow any conclusion about variant significance. To our knowledge, no occurrence of c.751C>T in individuals affected with SATB2 Associated Disorder and no experimental evidence demonstrating its impact on protein function have been reported. No submitters have cited clinical-significance assessments for this variant to ClinVar. Based on the evidence outlined above, the variant was classified as uncertain significance.

Labcorp Genetics (formerly Invitae), Labcorp
Classification: Uncertain significance for Chromosome 2q32-q33 deletion syndrome. Last evaluated: 2024-04-25. Review status: criteria provided, single submitter. Criteria: Invitae Variant Classification Sherloc (09022015). Collection method: clinical testing. Allele origin: germline.
Comment: This sequence change replaces arginine, which is basic and polar, with cysteine, which is neutral and slightly polar, at codon 251 of the SATB2 protein (p.Arg251Cys). This variant is present in population databases (no rsID available, gnomAD 0.006%). This variant has not been reported in the literature in individuals affected with SATB2-related conditions. Advanced modeling of protein sequence and biophysical properties (such as structural, functional, and spatial information, amino acid conservation, physicochemical variation, residue mobility, and thermodynamic stability) performed at Invitae indicates that this missense variant is not expected to disrupt SATB2 protein function with a negative predictive value of 80%. In summary, the available evidence is currently insufficient to determine the role of this variant in disease. Therefore, it has been classified as a Variant of Uncertain Significance.

NM_001172509.2(SATB2):c.751C>T (p.Arg251Cys)

Gene: SATB2 (SATB homeobox 2; minus strand). Cytogenetic location: 2q33.1.
Variant type: single nucleotide variant.
Coding change: c.751C>T on transcript NM_001172509.2 (MANE Select); coding-DNA position 751, C replaced by T.
Protein change: p.Arg251Cys; replaces arginine 251 with cysteine.
Molecular consequence: missense variant.
Genome position (GRCh38, 1-based): chr2:199,349,123, G>A on the plus strand (C>T on the coding strand, the complement: SATB2 is on the minus strand). VCF-style: chr2-199349123-G-A. GRCh37 (hg19) VCF-style: chr2-200213846-G-A.
Other names: c.751C>T, p.Arg251Cys (NM_001172517.1, NM_015265.4); short protein forms R251C.
Identifiers: ClinVar variation 3629957 (VCV003629957.3).